The following is an entry in ClinVar:

NM_000075.4(CDK4):c.633-14C>T

Genes: CDK4 (cyclin dependent kinase 4; minus strand), TSPAN31 (tetraspanin 31; plus strand). Cytogenetic location: 12q14.1.
Variant type: single nucleotide variant.
Coding change: c.633-14C>T on transcript NM_000075.4 (MANE Select); 14 bases into the intron before coding-DNA position 633, C replaced by T.
Molecular consequence: intron variant. On other transcripts: 3 prime UTR variant (3).
Genome position (GRCh38, 1-based): chr12:57,749,518, G>A on the plus strand (C>T on the coding strand, the complement: CDK4 is on the minus strand). VCF-style: chr12-57749518-G-A. GRCh37 (hg19) VCF-style: chr12-58143301-G-A.
Other names: c.*2228G>A (NM_001330168.2, NM_001330169.2, NM_005981.5).
Identifiers: ClinVar variation 3378435 (VCV003378435.3).

ClinVar aggregate classification (germline): Likely benign. Review status: criteria provided, multiple submitters, no conflicts (2 of 4 stars). 2 submissions from 2 submitters: Likely benign (2). Last evaluated 2025-10-27.

Conditions:
Familial melanoma. Also called: Hereditary melanoma; Hereditary cutaneous melanoma. Identifiers: Orphanet 618, MedGen C1512419, MONDO:0018961.
Melanoma, cutaneous malignant, susceptibility to, 3. Also called: Cutaneous malignant melanoma 3. Identifiers: Orphanet 618, MedGen C1836892, MONDO:0012183, OMIM 609048.

gnomAD v4.1: 1 of 1,613,528 alleles (0.000062%); highest among the groups gnomAD compares: South Asian, 0.0011%; no homozygotes.

Submissions (2):

Labcorp Genetics (formerly Invitae), Labcorp
Classification: Likely benign for Familial melanoma. Last evaluated: 2025-10-27. Review status: criteria provided, single submitter. Criteria: Invitae Variant Classification Sherloc (09022015). Collection method: clinical testing. Allele origin: germline.

Myriad Genetics, Inc.
Classification: Likely benign for Melanoma, cutaneous malignant, susceptibility to, 3. Last evaluated: 2024-09-26. Review status: criteria provided, single submitter. Criteria: Myriad Autosomal Dominant, Autosomal Recessive and X-Linked Classification Criteria (2023). Collection method: clinical testing. Allele origin: unknown.
Comment: This variant is considered likely benign. This variant is intronic and is not expected to impact mRNA splicing.